The following is an entry in ClinVar:

NM_001025356.3(ANO6):c.1105A>T (p.Lys369Ter)

Gene: ANO6 (anoctamin 6; plus strand). Cytogenetic location: 12q12.
Variant type: single nucleotide variant.
Coding change: c.1105A>T on transcript NM_001025356.3 (MANE Select); coding-DNA position 1105, A replaced by T.
Protein change: p.Lys369Ter; replaces lysine 369 with a stop codon.
Molecular consequence: nonsense.
Genome position (GRCh38, 1-based): chr12:45,378,053, A>T. VCF-style: chr12-45378053-A-T. GRCh37 (hg19) VCF-style: chr12-45771836-A-T.
Other names: c.1051A>T, p.Lys351Ter (NM_001142678.2); c.1105A>T, p.Lys369Ter (NM_001142679.2); c.1168A>T, p.Lys390Ter (NM_001204803.2); c.1072A>T, p.Lys358Ter (NM_001410973.1); short protein forms K351*, K358*, K369*, K390*.
Identifiers: ClinVar variation 2974435 (VCV002974435.3), dbSNP rs2137545693, ClinGen allele CA384449840.
Genomic context (GRCh38, chr12:45,378,053, plus strand): 5'-TTTACTGAATCCTAATAAGTGGAGGATATGACTCATTTATATGTCATTTATATTTTCCAG[A>T]AATTGTGCATCTTCGACAGTTTTGGAACCCTGGTCTTTGCAGTATTTATGGGAGTATGGG-3'

ClinVar aggregate classification (germline): Pathogenic (1 of 4 stars; one submission).

Submission:

Labcorp Genetics (formerly Invitae), Labcorp
Classification: Pathogenic. Last evaluated: 2025-11-18. Review status: criteria provided, single submitter. Criteria: Invitae Variant Classification Sherloc (09022015). Collection method: clinical testing. Allele origin: germline.
Comment: This sequence change creates a premature translational stop signal (p.Lys369*) in the ANO6 gene. It is expected to result in an absent or disrupted protein product. Loss-of-function variants in ANO6 are known to be pathogenic (PMID: 21107324, 21511967, 27879994). This variant is not present in population databases (gnomAD no frequency). This variant has not been reported in the literature in individuals affected with ANO6-related conditions. ClinVar contains an entry for this variant (Variation ID: 2974435). For these reasons, this variant has been classified as Pathogenic.

Literature cited by the submitters: PubMed 21107324; PubMed 21511967; PubMed 27879994.